The following is an entry in ClinVar:

NM_000548.5(TSC2):c.710C>G (p.Pro237Arg)

Gene: TSC2 (TSC complex subunit 2; plus strand). Cytogenetic location: 16p13.3.
Variant type: single nucleotide variant.
Coding change: c.710C>G on transcript NM_000548.5 (MANE Select); coding-DNA position 710, C replaced by G.
Protein change: p.Pro237Arg; replaces proline 237 with arginine.
Molecular consequence: missense variant.
Genome position (GRCh38, 1-based): chr16:2,056,705, C>G. VCF-style: chr16-2056705-C-G. GRCh37 (hg19) VCF-style: chr16-2106706-C-G.
Other names: c.710C>G, p.Pro237Arg (NM_001077183.3, NM_001114382.3, NM_001363528.2 and 3 more transcripts); c.599C>G, p.Pro200Arg (NM_001318827.2); c.563C>G, p.Pro188Arg (NM_001318829.2); c.110C>G, p.Pro37Arg (NM_001318831.2); c.743C>G, p.Pro248Arg (NM_001318832.2); c.710C>G (NM_000548.4); short protein forms P237R, P188R, P200R, P37R, P248R.
Identifiers: ClinVar variation 486659 (VCV000486659.19), dbSNP rs139060277, ClinGen allele CA394312711.

ClinVar aggregate classification (germline): Uncertain significance. Review status: criteria provided, multiple submitters, no conflicts (2 of 4 stars). 4 submissions from 4 submitters: Uncertain significance (3). 1 of the submissions does not count toward it. Last evaluated 2025-08-23.

Conditions:
TSC2-related disorder. Also called: TSC2-Related Disorders; TSC2-related condition.
Hereditary cancer-predisposing syndrome. Also called: Tumor predisposition; Neoplastic Syndromes, Hereditary; Hereditary Cancer Syndrome; Hereditary neoplastic syndrome. Identifiers: Orphanet 140162, MedGen C0027672, MeSH D009386, MONDO:0015356.
Tuberous sclerosis 2 (TSC2). Identifiers: Orphanet 805, MedGen C1860707, MONDO:0013199, OMIM 613254.

Submissions (4):

Ambry Genetics
Classification: Uncertain significance for Hereditary cancer-predisposing syndrome. Last evaluated: 2025-08-23. Review status: criteria provided, single submitter. Criteria: Ambry Variant Classification Scheme 2023. Collection method: clinical testing. Allele origin: germline.
Comment: The p.P237R variant (also known as c.710C>G), located in coding exon 7 of the TSC2 gene, results from a C to G substitution at nucleotide position 710. The proline at codon 237 is replaced by arginine, an amino acid with dissimilar properties. This variant was not reported in population based cohorts in the following databases: Database of Single Nucleotide Polymorphisms (dbSNP), NHLBI Exome Sequencing Project (ESP), and 1000 Genomes Project. In the ESP, this variant was not observed in 6498 samples (12996 alleles) with coverage at this position. To date, this alteration has been detected with an allele frequency of approximately 0.01% (greater than 10000 alleles tested) in our clinical cohort. This amino acid position is well conserved in available vertebrate species. In addition, this alteration is predicted to be deleterious by in silico analysis. Since supporting evidence is limited at this time, the clinical significance of this alteration remains unclear.

Labcorp Genetics (formerly Invitae), Labcorp
Classification: Uncertain significance for Tuberous sclerosis 2. Last evaluated: 2024-10-23. Review status: criteria provided, single submitter. Criteria: Invitae Variant Classification Sherloc (09022015). Collection method: clinical testing. Allele origin: germline.
Comment: This sequence change replaces proline, which is neutral and non-polar, with arginine, which is basic and polar, at codon 237 of the TSC2 protein (p.Pro237Arg). This variant is not present in population databases (gnomAD no frequency). This variant has not been reported in the literature in individuals affected with TSC2-related conditions. ClinVar contains an entry for this variant (Variation ID: 486659). Invitae Evidence Modeling of protein sequence and biophysical properties (such as structural, functional, and spatial information, amino acid conservation, physicochemical variation, residue mobility, and thermodynamic stability) indicates that this missense variant is not expected to disrupt TSC2 protein function with a negative predictive value of 95%. In summary, the available evidence is currently insufficient to determine the role of this variant in disease. Therefore, it has been classified as a Variant of Uncertain Significance.

Genome-Nilou Lab
Classification: Uncertain significance for Tuberous sclerosis 2. Last evaluated: 2021-11-07. Review status: criteria provided, single submitter. Criteria: ACMG Guidelines, 2015. Collection method: clinical testing. Allele origin: germline. Affected: no.

PreventionGenetics, part of Exact Sciences
Classification: Uncertain significance for TSC2-related condition. Last evaluated: 2024-07-28. Review status: no assertion criteria provided. Collection method: clinical testing. Allele origin: germline. Not counted in ClinVar's aggregate classification.
Comment: The TSC2 c.710C>G variant is predicted to result in the amino acid substitution p.Pro237Arg. To our knowledge, this variant has not been reported in the literature or in a large population database, indicating this variant is rare. This variant has been interpreted as a variant of uncertain significance in ClinVar. At this time, the clinical significance of this variant is uncertain due to the absence of conclusive functional and genetic evidence.